The following is an entry in ClinVar:

ClinVar aggregate classification (germline): Uncertain significance (1 of 4 stars; one submission).

Submission:

Labcorp Genetics (formerly Invitae), Labcorp
Classification: Uncertain significance. Last evaluated: 2024-05-08. Review status: criteria provided, single submitter. Criteria: Invitae Variant Classification Sherloc (09022015). Collection method: clinical testing. Allele origin: germline.
Comment: This sequence change replaces glycine, which is neutral and non-polar, with alanine, which is neutral and non-polar, at codon 330 of the XPO5 protein (p.Gly330Ala). This variant is not present in population databases (gnomAD no frequency). This variant has not been reported in the literature in individuals affected with XPO5-related conditions. An algorithm developed to predict the effect of missense changes on protein structure and function (PolyPhen-2) suggests that this variant is likely to be disruptive. In summary, the available evidence is currently insufficient to determine the role of this variant in disease. Therefore, it has been classified as a Variant of Uncertain Significance.

NM_020750.3(XPO5):c.989G>C (p.Gly330Ala)

Genes: POLR1C (RNA polymerase I and III subunit C; plus strand), XPO5 (exportin 5; minus strand). Cytogenetic location: 6p21.1.
Variant type: single nucleotide variant.
Coding change: c.989G>C on transcript NM_020750.3 (MANE Select); coding-DNA position 989, G replaced by C.
Protein change: p.Gly330Ala; replaces glycine 330 with alanine.
Molecular consequence: missense variant. On other transcripts: non-coding transcript variant (1), 3 prime UTR variant (1).
Genome position (GRCh38, 1-based): chr6:43,562,269, C>G on the plus strand (G>C on the coding strand, the complement: XPO5 is on the minus strand). VCF-style: chr6-43562269-C-G. GRCh37 (hg19) VCF-style: chr6-43530006-C-G.
Other names: c.*912C>G (NM_001363658.2); short protein forms G330A.
Identifiers: ClinVar variation 3622392 (VCV003622392.2).